The following is an entry in ClinVar:

NM_000248.4(MITF):c.29A>C (p.Tyr10Ser)

Gene: MITF (melanocyte inducing transcription factor; plus strand). Cytogenetic location: 3p13.
Variant type: single nucleotide variant.
Coding change: c.29A>C on transcript NM_000248.4 (MANE Plus Clinical); coding-DNA position 29, A replaced by C.
Protein change: p.Tyr10Ser; replaces tyrosine 10 with serine.
Molecular consequence: missense variant. On other transcripts: intron variant (9).
Genome position (GRCh38, 1-based): chr3:69,936,751, A>C. VCF-style: chr3-69936751-A-C. GRCh37 (hg19) VCF-style: chr3-69985902-A-C.
Other names: c.29A>C, p.Tyr10Ser (NM_001184968.2, NM_198158.3, NM_198178.3); c.304-1071A>C (NM_001354607.2); c.199-1071A>C (NM_001354608.2, NM_001184967.2); c.355-1071A>C (NM_001354604.2, NM_198159.3); c.352-1071A>C (NM_001354605.2, NM_001354606.2, NM_006722.3); c.307-1071A>C (NM_198177.3); short protein forms Y10S.
Identifiers: ClinVar variation 3752608 (VCV003752608.3).

ClinVar aggregate classification (germline): Uncertain significance. Review status: criteria provided, multiple submitters, no conflicts (2 of 4 stars). 2 submissions from 2 submitters: Uncertain significance (2). Last evaluated 2025-01-27.

Conditions:
Hereditary cancer-predisposing syndrome. Also called: Hereditary neoplastic syndrome; Tumor predisposition; Hereditary Cancer Syndrome; Neoplastic Syndromes, Hereditary. Identifiers: Orphanet 140162, MedGen C0027672, MeSH D009386, MONDO:0015356.
Waardenburg syndrome type 2A (WS2A). Also called: WAARDENBURG SYNDROME WITHOUT DYSTOPIA CANTHORUM. Identifiers: Orphanet 3440, MedGen C1860339, MONDO:0008671, OMIM 193510.
Tietz syndrome (TADS). Also called: ALBINISM-DEAFNESS OF TIETZ; HYPOPIGMENTATION/DEAFNESS OF TIETZ; TIETZ ALBINISM-DEAFNESS SYNDROME. Identifiers: Orphanet 42665, MedGen C0391816, MONDO:0007077, OMIM 103500.
Melanoma, cutaneous malignant, susceptibility to, 8. Also called: MELANOMA AND RENAL CELL CARCINOMA, SUSCEPTIBILITY TO; Cutaneous malignant melanoma 8. Identifiers: Orphanet 293822, MedGen C3152204, MONDO:0013759, OMIM 614456.

Submissions (2):

Ambry Genetics
Classification: Uncertain significance for Hereditary cancer-predisposing syndrome. Last evaluated: 2025-01-27. Review status: criteria provided, single submitter. Criteria: Ambry Variant Classification Scheme 2023. Collection method: clinical testing. Allele origin: germline.
Comment: The p.Y10S variant (also known as c.29A>C), located in coding exon 1 of the MITF gene, results from an A to C substitution at nucleotide position 29. The tyrosine at codon 10 is replaced by serine, an amino acid with dissimilar properties. This amino acid position is conserved. In addition, this alteration is predicted to be tolerated by in silico analysis. Based on the available evidence, the clinical significance of this variant remains unclear.

Labcorp Genetics (formerly Invitae), Labcorp
Classification: Uncertain significance for Melanoma, cutaneous malignant, susceptibility to, 8; Waardenburg syndrome type 2A; Tietz syndrome. Last evaluated: 2024-08-08. Review status: criteria provided, single submitter. Criteria: Invitae Variant Classification Sherloc (09022015). Collection method: clinical testing. Allele origin: germline.
Comment: This sequence change replaces tyrosine, which is neutral and polar, with serine, which is neutral and polar, at codon 10 of the MITF protein (p.Tyr10Ser). This variant is not present in population databases (gnomAD no frequency). This variant has not been reported in the literature in individuals affected with MITF-related conditions. Advanced modeling of protein sequence and biophysical properties (such as structural, functional, and spatial information, amino acid conservation, physicochemical variation, residue mobility, and thermodynamic stability) performed at Invitae indicates that this missense variant is not expected to disrupt MITF protein function with a negative predictive value of 80%. In summary, the available evidence is currently insufficient to determine the role of this variant in disease. Therefore, it has been classified as a Variant of Uncertain Significance.